The following is an entry in ClinVar:

ClinVar aggregate classification (germline): Likely benign. Review status: criteria provided, multiple submitters, no conflicts (2 of 4 stars). 3 submissions from 3 submitters: Likely benign (3). Last evaluated 2025-02-16.

Allele frequency attached by ClinVar (database versions not stated): 1000 Genomes Project 30x 0.00016; gnomAD exomes 0.00034 and 0.00038; TOPMed 0.00047; gnomAD 0.00052 and 0.00054.
gnomAD v4.1: 577 of 1,483,246 alleles (0.039%); highest among the groups gnomAD compares: Non-Finnish European, 0.044%; 3 homozygotes.

Submissions (3):

Laboratory of Genetics, Children's Clinical University Hospital Latvia
Classification: Likely benign. Last evaluated: 2025-02-16. Review status: criteria provided, single submitter. Criteria: ACMG Guidelines, 2015. Collection method: clinical testing. Allele origin: germline. Affected: yes.

Blueprint Genetics
Classification: Likely benign. Last evaluated: 2024-11-23. Review status: criteria provided, single submitter. Criteria: ACMG Guidelines, 2015. Collection method: clinical testing. Allele origin: germline.

CeGaT Center for Human Genetics Tuebingen
Classification: Likely benign. Last evaluated: 2023-01-01. Review status: criteria provided, single submitter. Criteria: CeGaT Center For Human Genetics Tuebingen Variant Classification Criteria Version 2. Collection method: clinical testing. Allele origin: germline. Affected: yes. Observed: 2 variant alleles.
Comment: PRDM6: BP4, BP7

NM_001136239.4(PRDM6):c.459T>C (p.Gly153=)

Gene: PRDM6 (PR/SET domain 6; plus strand). Cytogenetic location: 5q23.2.
Variant type: single nucleotide variant.
Coding change: c.459T>C on transcript NM_001136239.4 (MANE Select); coding-DNA position 459, T replaced by C.
Protein change: p.Gly153=; no amino-acid change (glycine 153 retained).
Molecular consequence: synonymous variant.
Genome position (GRCh38, 1-based): chr5:123,090,473, T>C. VCF-style: chr5-123090473-T-C. GRCh37 (hg19) VCF-style: chr5-122426168-T-C.
Identifiers: ClinVar variation 1701482 (VCV001701482.33), dbSNP rs771504043, ClinGen allele CA3386343.
Genomic context (GRCh38, chr5:123,090,473, plus strand): 5'-CCCCAAGGAACTGTGCCTCGGCGCCACCTCCGGCCCCGGGCCCGTCAAGTGCGGTGGTGG[T>C]GGCGGCGGCGGCGGGGAGGGTCGCGGCGCCCCGCGCTTCCGCTGCAGCGCAGAGGAGCTG-3'
Protein context (NP_001129711.1, residues 143-163): SGPGPVKCGG[Gly153=]GGGGGEGRGA